The following is an entry in ClinVar:

ClinVar aggregate classification (germline): Likely pathogenic (1 of 4 stars; one submission).

Conditions:
Achondrogenesis, type IB (ACG1B). Also called: Achondrogenesis Type 1B. Identifiers: Orphanet 932, Orphanet 93298, MedGen C0265274, MONDO:0010966, OMIM 600972.
Diastrophic dysplasia (DTD). Also called: Diastrophic dwarfism. Identifiers: Orphanet 628, MedGen C0220726, MONDO:0009107, OMIM 222600.
Multiple epiphyseal dysplasia type 4 (EDM4). Also called: MULTIPLE EPIPHYSEAL DYSPLASIA WITH BILAYERED PATELLAE; MULTIPLE EPIPHYSEAL DYSPLASIA WITH CLUBFOOT; MULTIPLE EPIPHYSEAL DYSPLASIA, AUTOSOMAL RECESSIVE; SLC26A2-Related Multiple Epiphyseal Dysplasia; Multiple Epiphyseal Dysplasia, Recessive. Identifiers: Orphanet 93307, MedGen C1847593, MONDO:0009189, OMIM 226900.
Atelosteogenesis type II (AO2). Also called: NEONATAL OSSEOUS DYSPLASIA I; Neonatal osseous dysplasia 1; SLC26A2-Related Atelosteogenesis. Identifiers: Orphanet 56304, MedGen C1850554, MONDO:0009727, OMIM 256050.

Submission:

Labcorp Genetics (formerly Invitae), Labcorp
Classification: Likely pathogenic for Atelosteogenesis type II; Multiple epiphyseal dysplasia type 4; Achondrogenesis, type IB; Diastrophic dysplasia. Last evaluated: 2022-10-17. Review status: criteria provided, single submitter. Criteria: Invitae Variant Classification Sherloc (09022015). Collection method: clinical testing. Allele origin: germline.
Comment: In summary, the currently available evidence indicates that the variant is pathogenic, but additional data are needed to prove that conclusively. Therefore, this variant has been classified as Likely Pathogenic. Advanced modeling of protein sequence and biophysical properties (such as structural, functional, and spatial information, amino acid conservation, physicochemical variation, residue mobility, and thermodynamic stability) performed at Invitae indicates that this missense variant is expected to disrupt SLC26A2 protein function. ClinVar contains an entry for this variant (Variation ID: 1348054). This missense change has been observed in individual(s) with clinical features of diastrophic dysplasia (Invitae). In at least one individual the data is consistent with being in trans (on the opposite chromosome) from a pathogenic variant. This variant is not present in population databases (gnomAD no frequency). This sequence change replaces isoleucine, which is neutral and non-polar, with asparagine, which is neutral and polar, at codon 426 of the SLC26A2 protein (p.Ile426Asn).

NM_000112.4(SLC26A2):c.1277T>A (p.Ile426Asn)

Gene: SLC26A2 (solute carrier family 26 member 2; plus strand). Cytogenetic location: 5q32.
Variant type: single nucleotide variant.
Coding change: c.1277T>A on transcript NM_000112.4 (MANE Select); coding-DNA position 1277, T replaced by A.
Protein change: p.Ile426Asn; replaces isoleucine 426 with asparagine.
Molecular consequence: missense variant.
Genome position (GRCh38, 1-based): chr5:149,980,870, T>A. VCF-style: chr5-149980870-T-A. GRCh37 (hg19) VCF-style: chr5-149360433-T-A.
Other names: short protein forms I426N.
Identifiers: ClinVar variation 1348054 (VCV001348054.8), dbSNP rs2113698521, ClinGen allele CA361707534.